The following is an entry in ClinVar:

NM_016123.4(IRAK4):c.181C>T (p.Gln61Ter)

Gene: IRAK4 (interleukin 1 receptor associated kinase 4; plus strand). Cytogenetic location: 12q12.
Variant type: single nucleotide variant.
Coding change: c.181C>T on transcript NM_016123.4 (MANE Select); coding-DNA position 181, C replaced by T.
Protein change: p.Gln61Ter; replaces glutamine 61 with a stop codon.
Molecular consequence: nonsense. On other transcripts: 5 prime UTR variant (4), intron variant (6).
Genome position (GRCh38, 1-based): chr12:43,771,239, C>T. VCF-style: chr12-43771239-C-T. GRCh37 (hg19) VCF-style: chr12-44165042-C-T.
Other names: c.181C>T, p.Gln61Ter (NM_001114182.3, NM_001351345.2); c.-192C>T (NM_001351339.2, NM_001351340.2, NM_001351341.2 and 1 more transcripts); c.-65-941C>T (NM_001351338.2, NM_001145256.2, NM_001145257.2 and 1 more transcripts); c.-216-941C>T (NM_001351343.2, NM_001351344.2); short protein forms Q61*.
Identifiers: ClinVar variation 2790034 (VCV002790034.3), dbSNP rs1266375962, ClinGen allele CA384466049.

ClinVar aggregate classification (germline): Pathogenic (1 of 4 stars; one submission).

Conditions:
Immunodeficiency 67. Also called: Immunodeficiency due to interleukin-1 receptor-associated kinase-4 deficiency. Identifiers: Orphanet 70592, MedGen C1843256, MONDO:0011888, OMIM 607676.

Submission:

Labcorp Genetics (formerly Invitae), Labcorp
Classification: Pathogenic for Immunodeficiency 67. Last evaluated: 2023-06-20. Review status: criteria provided, single submitter. Criteria: Invitae Variant Classification Sherloc (09022015). Collection method: clinical testing. Allele origin: germline.
Comment: For these reasons, this variant has been classified as Pathogenic. This variant has not been reported in the literature in individuals affected with IRAK4-related conditions. This variant is not present in population databases (gnomAD no frequency). This sequence change creates a premature translational stop signal (p.Gln61*) in the IRAK4 gene. It is expected to result in an absent or disrupted protein product. Loss-of-function variants in IRAK4 are known to be pathogenic (PMID: 17893200, 21057262).

Literature cited by the submitters: PubMed 17893200; PubMed 21057262.